The following is an entry in ClinVar:

NM_001330078.2(NRXN1):c.1320+3A>G

Gene: NRXN1 (neurexin 1; minus strand). Cytogenetic location: 2p16.3.
Variant type: single nucleotide variant.
Coding change: c.1320+3A>G on transcript NM_001330078.2 (MANE Select); 3 bases into the intron after coding-DNA position 1320, A replaced by G.
Molecular consequence: intron variant.
Genome position (GRCh38, 1-based): chr2:50,620,019, T>C on the plus strand (A>G on the coding strand, the complement: NRXN1 is on the minus strand). VCF-style: chr2-50620019-T-C. GRCh37 (hg19) VCF-style: chr2-50847157-T-C.
Other names: c.1236+3A>G (NM_001330096.2, NM_001330087.2); c.1281+3A>G (NM_001330083.2, NM_001330084.2); c.1266+3A>G (NM_001330088.2); c.1317+3A>G (NM_001330093.2); c.1308+3A>G (NM_001330094.2); c.1296+3A>G (NM_001330095.2, NM_001330082.2, NM_001330077.2); c.1320+3A>G (NM_001330085.2, NM_004801.6, NM_001330086.2); c.1440+3A>G (NM_001135659.3).
Identifiers: ClinVar variation 3656559 (VCV003656559.3).

ClinVar aggregate classification (germline): Uncertain significance. Review status: criteria provided, multiple submitters, no conflicts (2 of 4 stars). 2 submissions from 2 submitters: Uncertain significance (2). Last evaluated 2024-06-13.

Conditions:
Pitt-Hopkins-like syndrome 2 (PTHSL2). Identifiers: Orphanet 221150, Orphanet 600663, MedGen C3280479, MONDO:0013690, OMIM 614325.

Submissions (2):

Labcorp Genetics (formerly Invitae), Labcorp
Classification: Uncertain significance for Pitt-Hopkins-like syndrome 2. Last evaluated: 2024-06-13. Review status: criteria provided, single submitter. Criteria: Invitae Variant Classification Sherloc (09022015). Collection method: clinical testing. Allele origin: germline.
Comment: This sequence change falls in intron 9 of the NRXN1 gene. It does not directly change the encoded amino acid sequence of the NRXN1 protein. It affects a nucleotide within the consensus splice site. This variant is not present in population databases (gnomAD no frequency). This variant has not been reported in the literature in individuals affected with NRXN1-related conditions. Variants that disrupt the consensus splice site are a relatively common cause of aberrant splicing (PMID: 17576681, 9536098). Algorithms developed to predict the effect of sequence changes on RNA splicing suggest that this variant may disrupt the consensus splice site. In summary, the available evidence is currently insufficient to determine the role of this variant in disease. Therefore, it has been classified as a Variant of Uncertain Significance.

Blueprint Genetics
Classification: Uncertain significance. Last evaluated: 2024-05-10. Review status: criteria provided, single submitter. Criteria: ACMG Guidelines, 2015. Collection method: clinical testing. Allele origin: germline.

Literature cited by the submitters: PubMed 17576681 (cited by Labcorp Genetics (formerly Invitae), Labcorp); PubMed 9536098 (cited by Labcorp Genetics (formerly Invitae), Labcorp).